The following is an entry in ClinVar:

NM_024642.5(GALNT12):c.820C>G (p.Pro274Ala)

Gene: GALNT12 (polypeptide N-acetylgalactosaminyltransferase 12; plus strand). Cytogenetic location: 9q22.33.
Variant type: single nucleotide variant.
Coding change: c.820C>G on transcript NM_024642.5 (MANE Select); coding-DNA position 820, C replaced by G.
Protein change: p.Pro274Ala; replaces proline 274 with alanine.
Molecular consequence: missense variant.
Genome position (GRCh38, 1-based): chr9:98,831,860, C>G. VCF-style: chr9-98831860-C-G. GRCh37 (hg19) VCF-style: chr9-101594142-C-G.
Other names: short protein forms P274A.
Identifiers: ClinVar variation 3227965 (VCV003227965.1), dbSNP rs540061502, ClinGen allele CA374218080.

ClinVar aggregate classification (germline): Uncertain significance (1 of 4 stars; one submission).

Submission:

Ambry Genetics
Classification: Uncertain significance. Last evaluated: 2024-01-11. Review status: criteria provided, single submitter. Criteria: Ambry Variant Classification Scheme 2023. Collection method: clinical testing. Allele origin: germline.
Comment: The p.P274A variant (also known as c.820C>G), located in coding exon 4 of the GALNT12 gene, results from a C to G substitution at nucleotide position 820. The proline at codon 274 is replaced by alanine, an amino acid with highly similar properties. This amino acid position is conserved. In addition, the in silico prediction for this alteration is inconclusive. Since supporting evidence is limited at this time, the clinical significance of this alteration remains unclear.